The following is an entry in ClinVar:

NM_014159.7(SETD2):c.650C>A (p.Thr217Lys)

Gene: SETD2 (SET domain containing 2, histone lysine methyltransferase; minus strand). Cytogenetic location: 3p21.31.
Variant type: single nucleotide variant.
Coding change: c.650C>A on transcript NM_014159.7 (MANE Select); coding-DNA position 650, C replaced by A.
Protein change: p.Thr217Lys; replaces threonine 217 with lysine.
Molecular consequence: missense variant. On other transcripts: non-coding transcript variant (1).
Genome position (GRCh38, 1-based): chr3:47,123,986, G>T on the plus strand (C>A on the coding strand, the complement: SETD2 is on the minus strand). VCF-style: chr3-47123986-G-T. GRCh37 (hg19) VCF-style: chr3-47165476-G-T.
Other names: c.518C>A, p.Thr173Lys (NM_001349370.3); c.650C>A (NM_014159.6); short protein forms T173K, T217K.
Identifiers: ClinVar variation 1601258 (VCV001601258.11), dbSNP rs1482249689, ClinGen allele CA352535625.
Genomic context (GRCh38, chr3:47,123,986, plus strand): 5'-GATCTAACTGCTACATCTACTGGTAAGGGTACTGGTGCTGCCATTAGAACTGTTATTGGT[G>T]TATGTGGCAAGGCCACTGGCTCTGTTACTGGTGCTGGTGATGAGAGTGTTGTGGCTTGGG-3'
Protein context (NP_054878.5, residues 207-227): PVTEPVALPH[Thr217Lys]PITVLMAAPV

ClinVar aggregate classification (germline): Conflicting classifications of pathogenicity. Review status: criteria provided, conflicting classifications (1 of 4 stars). 3 submissions from 3 submitters: Uncertain significance (1); Benign (1). 1 of the submissions does not count toward it. Last evaluated 2025-07-01.

Conditions:
Inborn genetic diseases. Identifiers: MedGen C0950123, MeSH D030342.
SETD2-related disorder.
Luscan-Lumish syndrome. Identifiers: Orphanet 597738, MedGen C4085873, MONDO:0014791, OMIM 616831.

Allele frequency attached by ClinVar (database versions not stated): TOPMed below 0.00001; gnomAD exomes 0.00001.
gnomAD v4.1: 2 of 1,551,936 alleles (0.00013%); highest among the groups gnomAD compares: Admixed American, 0.002%; no homozygotes.

Submissions (3):

Ambry Genetics
Classification: Uncertain significance for Inborn genetic diseases. Last evaluated: 2025-07-01. Review status: criteria provided, single submitter. Criteria: Ambry Variant Classification Scheme 2023. Collection method: clinical testing. Allele origin: germline.

Labcorp Genetics (formerly Invitae), Labcorp
Classification: Benign for Luscan-Lumish syndrome. Last evaluated: 2022-10-17. Review status: criteria provided, single submitter. Criteria: Invitae Variant Classification Sherloc (09022015). Collection method: clinical testing. Allele origin: germline.

PreventionGenetics, part of Exact Sciences
Classification: Uncertain significance for SETD2-related condition. Last evaluated: 2024-02-21. Review status: no assertion criteria provided. Collection method: clinical testing. Allele origin: germline. Not counted in ClinVar's aggregate classification.
Comment: The SETD2 c.650C>A variant is predicted to result in the amino acid substitution p.Thr217Lys. To our knowledge, this variant has not been reported in the literature. This variant is reported in 0.0040% of alleles in individuals of Latino descent in gnomAD. At this time, the clinical significance of this variant is uncertain due to the absence of conclusive functional and genetic evidence.